The following is an entry in ClinVar:

ClinVar aggregate classification (germline): Uncertain significance (1 of 4 stars; one submission).

Conditions:
Hypophosphatasia. Also called: Phosphoethanol-aminuria. Identifiers: Orphanet 436, MedGen C0020630, MeSH D007014, MONDO:0018570.

Submission:

Genomenon, Inc
Classification: Uncertain significance for Hypophosphatasia. Last evaluated: 2026-09-01. Review status: criteria provided, single submitter. Criteria: Genomenon Sequence Variant Interpretation Standards - Updated. Collection method: curation. Allele origin: germline. Affected: yes.
Comment: ALPL p.Ser266_His267del (c.797_802del) is an in-frame deletion that results in the loss of Serine at codon 266 and Histidine at codon 267. This variant has been observed in at least one proband affected with an ALPL-related disorder (PMID:17253930). It is absent or not present at a significant frequency in gnomAD. In conclusion, we classify ALPL p.Ser266_His267del (c.797_802del) as a variant of uncertain significance.

Literature cited by the submitters: PubMed 17253930.

NM_000478.6(ALPL):c.797_802del (p.Ser266_His267del)

Gene: ALPL (alkaline phosphatase, biomineralization associated; plus strand). Cytogenetic location: 1p36.12.
Variant type: Deletion.
Coding change: c.797_802del on transcript NM_000478.6 (MANE Select); coding-DNA positions 797 to 802, 6 bases deleted (CCCACT; older notation c.797_802delCCCACT).
Protein change: p.Ser266_His267del.
Molecular consequence: inframe deletion.
Genome position (GRCh38, 1-based): chr1:21,570,309-21,570,314, CCCACT deleted; deleting any 6 consecutive bases within chr1:21,570,305-21,570,314 gives the same sequence; the c. name uses the placement nearest the transcript's 3' end. VCF-style (leftmost placement, unchanged base first): chr1-21570304-GCACTCC-G. GRCh37 (hg19) VCF-style: chr1-21896797-GCACTCC-G.
Other names: c.632_637del, p.Ser211_His212del (NM_001127501.4); c.566_571del, p.Ser189_His190del (NM_001177520.3); c.797_802del, p.Ser266_His267del (NM_001369803.2, NM_001369804.2, NM_001369805.2).
Identifiers: ClinVar variation 4086830 (VCV004086830.2).